The following is an entry in ClinVar:

ClinVar aggregate classification (germline): Uncertain significance (1 of 4 stars; one submission).

gnomAD v4.1: 10 of 1,595,200 alleles (0.00063%); highest among the groups gnomAD compares: Middle Eastern, 0.021%; no homozygotes.

Submission:

GeneDx
Classification: Uncertain significance. Last evaluated: 2025-04-28. Review status: criteria provided, single submitter. Criteria: GeneDx Variant Classification Process June 2021. Collection method: clinical testing. Allele origin: germline.
Comment: Not observed at significant frequency in large population cohorts (gnomAD); In silico analysis indicates that this missense variant does not alter protein structure/function; Has not been previously published as pathogenic or benign to our knowledge

NM_004667.6(HERC2):c.6014C>T (p.Thr2005Met)

Gene: HERC2 (HECT and RLD domain containing E3 ubiquitin protein ligase 2; minus strand). Cytogenetic location: 15q13.1.
Variant type: single nucleotide variant.
Coding change: c.6014C>T on transcript NM_004667.6 (MANE Select); coding-DNA position 6014, C replaced by T.
Protein change: p.Thr2005Met; replaces threonine 2005 with methionine.
Molecular consequence: missense variant.
Genome position (GRCh38, 1-based): chr15:28,218,503, G>A on the plus strand (C>T on the coding strand, the complement: HERC2 is on the minus strand). VCF-style: chr15-28218503-G-A. GRCh37 (hg19) VCF-style: chr15-28463649-G-A.
Other names: short protein forms T2005M.
Identifiers: ClinVar variation 3773995 (VCV003773995.2).